The following is an entry in ClinVar:

ClinVar aggregate classification (germline): Uncertain significance (1 of 4 stars; one submission).

Conditions:
Retinoblastoma (RB1). Also called: RETINOBLASTOMA, SOMATIC. Identifiers: Orphanet 790, MedGen C0035335, MeSH D012175, MONDO:0008380, OMIM 180200, HP:0009919. Disease mechanism: loss of function. Inheritance: Both sporadic and heritable forms are tested..

Submission:

Labcorp Genetics (formerly Invitae), Labcorp
Classification: Uncertain significance for Retinoblastoma. Last evaluated: 2018-03-18. Review status: criteria provided, single submitter. Criteria: Invitae Variant Classification Sherloc (09022015). Collection method: clinical testing. Allele origin: germline.
Comment: In summary, the available evidence is currently insufficient to determine the role of this variant in disease. Therefore, it has been classified as a Variant of Uncertain Significance. Algorithms developed to predict the effect of missense changes on protein structure and function (SIFT, PolyPhen-2, Align-GVGD) all suggest that this variant is likely to be tolerated, but these predictions have not been confirmed by published functional studies and their clinical significance is uncertain. This variant has not been reported in the literature in individuals with RB1-related disease. This variant is not present in population databases (ExAC no frequency). This sequence change replaces asparagine with lysine at codon 867 of the RB1 protein (p.Asn867Lys). The asparagine residue is moderately conserved and there is a moderate physicochemical difference between asparagine and lysine.

NM_000321.3(RB1):c.2601C>G (p.Asn867Lys)

Gene: RB1 (RB transcriptional corepressor 1; plus strand). Cytogenetic location: 13q14.2.
Variant type: single nucleotide variant.
Coding change: c.2601C>G on transcript NM_000321.3 (MANE Select); coding-DNA position 2601, C replaced by G.
Protein change: p.Asn867Lys; replaces asparagine 867 with lysine.
Molecular consequence: missense variant.
Genome position (GRCh38, 1-based): chr13:48,476,781, C>G. VCF-style: chr13-48476781-C-G. GRCh37 (hg19) VCF-style: chr13-49050917-C-G.
Other names: short protein forms N867K.
Identifiers: ClinVar variation 572201 (VCV000572201.8), dbSNP rs1566240970, ClinGen allele CA388157417.